The following is an entry in ClinVar:

NM_001080414.4(CCDC88C):c.874C>T (p.Gln292Ter)

Gene: CCDC88C (coiled-coil and HOOK domain protein 88C; minus strand). Cytogenetic location: 14q32.11.
Variant type: single nucleotide variant.
Coding change: c.874C>T on transcript NM_001080414.4 (MANE Select); coding-DNA position 874, C replaced by T.
Protein change: p.Gln292Ter; replaces glutamine 292 with a stop codon.
Molecular consequence: nonsense. On other transcripts: non-coding transcript variant (2).
Genome position (GRCh38, 1-based): chr14:91,338,506, G>A on the plus strand (C>T on the coding strand, the complement: CCDC88C is on the minus strand). VCF-style: chr14-91338506-G-A. GRCh37 (hg19) VCF-style: chr14-91804850-G-A.
Other names: short protein forms Q292*.
Identifiers: ClinVar variation 4731577 (VCV004731577.1).

ClinVar aggregate classification (germline): Pathogenic (1 of 4 stars; one submission).

gnomAD v4.1: 1 of 1,569,036 alleles (0.000064%); highest among the groups gnomAD compares: Non-Finnish European, 0.000086%; no homozygotes.

Submission:

Labcorp Genetics (formerly Invitae), Labcorp
Classification: Pathogenic. Last evaluated: 2025-11-19. Review status: criteria provided, single submitter. Criteria: Invitae Variant Classification Sherloc (09022015). Collection method: clinical testing. Allele origin: germline.
Comment: This sequence change creates a premature translational stop signal (p.Gln292*) in the CCDC88C gene. It is expected to result in an absent or disrupted protein product. Loss-of-function variants in CCDC88C are known to be pathogenic (PMID: 23042809, 29225145). This variant is not present in population databases (gnomAD no frequency). This variant has not been reported in the literature in individuals affected with CCDC88C-related conditions. For these reasons, this variant has been classified as Pathogenic.

Literature cited by the submitters: PubMed 23042809; PubMed 29225145.